The following is an entry in ClinVar:

ClinVar aggregate classification (germline): Uncertain significance (1 of 4 stars; one submission).

Conditions:
Inborn genetic diseases. Identifiers: MedGen C0950123, MeSH D030342.

Submission:

Ambry Genetics
Classification: Uncertain significance for Inborn genetic diseases. Last evaluated: 2026-08-27. Review status: criteria provided, single submitter. Criteria: Ambry Variant Classification Scheme 2023. Collection method: clinical testing. Allele origin: germline.
Comment: The p.S614N variant (also known as c.1841G>A), located in coding exon 11 of the FANCM gene, results from a G to A substitution at nucleotide position 1841. The serine at codon 614 is replaced by asparagine, an amino acid with highly similar properties. This amino acid position is conserved. In addition, this alteration is predicted to be tolerated by in silico analysis. Based on the available evidence, the clinical significance of this variant remains unclear.

NM_020937.4(FANCM):c.1841G>A (p.Ser614Asn)

Gene: FANCM (FA complementation group M; plus strand). Cytogenetic location: 14q21.2.
Variant type: single nucleotide variant.
Coding change: c.1841G>A on transcript NM_020937.4 (MANE Select); coding-DNA position 1841, G replaced by A.
Protein change: p.Ser614Asn; replaces serine 614 with asparagine.
Molecular consequence: missense variant.
Genome position (GRCh38, 1-based): chr14:45,167,002, G>A. VCF-style: chr14-45167002-G-A. GRCh37 (hg19) VCF-style: chr14-45636205-G-A.
Other names: c.1763G>A, p.Ser588Asn (NM_001308133.2); c.1841G>A, p.Ser614Asn (NM_001308134.2); short protein forms S588N, S614N.
Identifiers: ClinVar variation 5021521 (VCV005021521.1).